The following is an entry in ClinVar:

ClinVar aggregate classification (germline): Uncertain significance (1 of 4 stars; one submission).

gnomAD v4.1: 1 of 1,614,112 alleles (0.000062%); highest among the groups gnomAD compares: Non-Finnish European, 0.000085%; no homozygotes.

Submission:

CeGaT Center for Human Genetics Tuebingen
Classification: Uncertain significance. Last evaluated: 2026-08-01. Review status: criteria provided, single submitter. Criteria: CeGaT Center For Human Genetics Tuebingen Variant Classification Criteria Version 2. Collection method: clinical testing. Allele origin: germline. Affected: yes. Observed: 1 variant allele.
Comment: TBX4: PM2

NM_001321120.2(TBX4):c.1211G>T (p.Gly404Val)

Gene: TBX4 (T-box transcription factor 4; plus strand). Cytogenetic location: 17q23.2.
Variant type: single nucleotide variant.
Coding change: c.1211G>T on transcript NM_001321120.2 (MANE Select); coding-DNA position 1211, G replaced by T.
Protein change: p.Gly404Val; replaces glycine 404 with valine.
Molecular consequence: missense variant.
Genome position (GRCh38, 1-based): chr17:61,483,086, G>T. VCF-style: chr17-61483086-G-T. GRCh37 (hg19) VCF-style: chr17-59560447-G-T.
Other names: c.1208G>T, p.Gly403Val (NM_018488.3); short protein forms G403V, G404V.
Identifiers: ClinVar variation 5039551 (VCV005039551.1).